The following is an entry in ClinVar:

ClinVar aggregate classification (germline): Uncertain significance. Review status: criteria provided, multiple submitters, no conflicts (2 of 4 stars). 3 submissions from 3 submitters: Uncertain significance (3). Last evaluated 2026-08-01.

Conditions:
Emery-Dreifuss muscular dystrophy 4, autosomal dominant (EDMD4). Also called: EMERY-DREIFUSS MUSCULAR DYSTROPHY 4 WITH VARIABLE FEATURES. Identifiers: Orphanet 261, MedGen C2751807, MONDO:0013071, OMIM 612998.
Autosomal recessive ataxia, Beauce type. Also called: Spinocerebellar ataxia, autosomal recessive 8; SYNE1-Related Autosomal Recessive Cerebellar Ataxia; ATAXIA, RECESSIVE, OF BEAUCE; SYNE1 Deficiency. Identifiers: Orphanet 88644, MedGen C1853116, MONDO:0012549, OMIM 610743.

Allele frequency attached by ClinVar (database versions not stated): gnomAD 0.00005 and 0.00004; ExAC 0.00001; gnomAD exomes 0.00002 and 0.00004.
gnomAD v4.1: 59 of 1,613,954 alleles (0.0037%); highest among the groups gnomAD compares: South Asian, 0.024%; no homozygotes.

Submissions (3):

CeGaT Center for Human Genetics Tuebingen
Classification: Uncertain significance. Last evaluated: 2026-08-01. Review status: criteria provided, single submitter. Criteria: CeGaT Center For Human Genetics Tuebingen Variant Classification Criteria Version 2. Collection method: clinical testing. Allele origin: germline. Affected: yes. Observed: 1 variant allele.
Comment: SYNE1: PM2, BP4

Athena Diagnostics
Classification: Uncertain significance. Last evaluated: 2024-08-26. Review status: criteria provided, single submitter. Criteria: Athena Diagnostics Criteria. Collection method: clinical testing. Allele origin: unknown.
Comment: Available data are insufficient to determine the clinical significance of the variant at this time. The frequency of this variant in the general population is uninformative in assessment of its pathogenicity. Computational tools yielded predictions that this variant may result in the gain of a cryptic splice site without affecting the natural splice sites. Polyphen and MutationTaster predict this amino acid change may be benign.

Labcorp Genetics (formerly Invitae), Labcorp
Classification: Uncertain significance for Emery-Dreifuss muscular dystrophy 4, autosomal dominant; Autosomal recessive ataxia, Beauce type. Last evaluated: 2022-02-21. Review status: criteria provided, single submitter. Criteria: Invitae Variant Classification Sherloc (09022015). Collection method: clinical testing. Allele origin: germline.
Comment: This sequence change replaces arginine, which is basic and polar, with glutamine, which is neutral and polar, at codon 5643 of the SYNE1 protein (p.Arg5643Gln). This variant is present in population databases (rs367925174, gnomAD 0.02%). This variant has not been reported in the literature in individuals affected with SYNE1-related conditions. Algorithms developed to predict the effect of missense changes on protein structure and function output the following: SIFT: "Tolerated"; PolyPhen-2: "Benign"; Align-GVGD: "Class C0". The glutamine amino acid residue is found in multiple mammalian species, which suggests that this missense change does not adversely affect protein function. Algorithms developed to predict the effect of sequence changes on RNA splicing suggest that this variant may create or strengthen a splice site. In summary, the available evidence is currently insufficient to determine the role of this variant in disease. Therefore, it has been classified as a Variant of Uncertain Significance.

NM_182961.4(SYNE1):c.17141G>A (p.Arg5714Gln)

Genes: SYNE1 (spectrin repeat containing nuclear envelope protein 1; minus strand), LOC126859837 (BRD4-independent group 4 enhancer GRCh37_chr6:152630775-152631974; plus strand). Cytogenetic location: 6q25.2.
Variant type: single nucleotide variant.
Coding change: c.17141G>A on transcript NM_182961.4 (MANE Select); coding-DNA position 17141, G replaced by A.
Protein change: p.Arg5714Gln; replaces arginine 5714 with glutamine.
Molecular consequence: missense variant.
Genome position (GRCh38, 1-based): chr6:152,309,896, C>T on the plus strand (G>A on the coding strand, the complement: SYNE1 is on the minus strand). VCF-style: chr6-152309896-C-T. GRCh37 (hg19) VCF-style: chr6-152631031-C-T.
Other names: c.17141G>A (NM_182961.2); c.16928G>A, p.Arg5643Gln (NM_033071.5); short protein forms R5714Q, R5643Q.
Identifiers: ClinVar variation 1407881 (VCV001407881.7), dbSNP rs367925174, ClinGen allele CA4055334.
Genomic context (GRCh38, chr6:152,309,896, plus strand): 5'-TGCATGATGTTACACTGCTGGATGGCGGTGTGCTGCAGCCGGCTGGCCTCTTCCTGCAGC[C>T]GCAGAGCAGCATGACAGAGAGGTAAGCTGGCAACCACATCCTCGGGGATCCGGAGGGCAC-3'
Protein context (NP_892006.3, residues 5704-5724): ASLPLCHAAL[Arg5714Gln]LQEEASRLQH